The following is an entry in ClinVar:

NM_017563.5(IL17RD):c.893T>C (p.Ile298Thr)

Gene: IL17RD (interleukin 17 receptor D; minus strand). Cytogenetic location: 3p14.3.
Variant type: single nucleotide variant.
Coding change: c.893T>C on transcript NM_017563.5 (MANE Select); coding-DNA position 893, T replaced by C.
Protein change: p.Ile298Thr; replaces isoleucine 298 with threonine.
Molecular consequence: missense variant.
Genome position (GRCh38, 1-based): chr3:57,102,565, A>G on the plus strand (T>C on the coding strand, the complement: IL17RD is on the minus strand). VCF-style: chr3-57102565-A-G. GRCh37 (hg19) VCF-style: chr3-57136593-A-G.
Other names: c.461T>C, p.Ile154Thr (NM_001318864.2); short protein forms I298T, I154T.
Identifiers: ClinVar variation 731960 (VCV000731960.10), dbSNP rs368070640, ClinGen allele CA2462883.

ClinVar aggregate classification (germline): Likely benign. Review status: criteria provided, multiple submitters, no conflicts (2 of 4 stars). 3 submissions from 3 submitters: Likely benign (2). 1 of the submissions does not count toward it. Last evaluated 2024-07-01.

Conditions:
IL17RD-related disorder. Also called: IL17RD-related condition.

Allele frequency attached by ClinVar (database versions not stated): gnomAD exomes 0.00050 and 0.00108; 1000 Genomes Project 0.00120; gnomAD 0.00001 and 0.00030; ExAC 0.00120; TOPMed 0.00006; 1000 Genomes Project 30x 0.00094.
gnomAD v4.1: 743 of 1,577,428 alleles (0.047%); highest among the groups gnomAD compares: South Asian, 0.81%; 15 homozygotes.

Submissions (3):

Labcorp Genetics (formerly Invitae), Labcorp
Classification: Likely benign. Last evaluated: 2024-07-01. Review status: criteria provided, single submitter. Criteria: Invitae Variant Classification Sherloc (09022015). Collection method: clinical testing. Allele origin: germline.

GeneDx
Classification: Likely benign. Last evaluated: 2020-03-24. Review status: criteria provided, single submitter. Criteria: GeneDx Variant Classification Process June 2021. Collection method: clinical testing. Allele origin: germline. Affected: yes.
Comment: This variant is associated with the following publications: (PMID: 28602422)

PreventionGenetics, part of Exact Sciences
Classification: Benign for IL17RD-related condition. Last evaluated: 2019-06-07. Review status: no assertion criteria provided. Collection method: clinical testing. Allele origin: germline. Not counted in ClinVar's aggregate classification.
Comment: This variant is classified as benign based on ACMG/AMP sequence variant interpretation guidelines (Richards et al. 2015 PMID: 25741868, with internal and published modifications).